The following is an entry in ClinVar:

ClinVar aggregate classification (germline): Uncertain significance (1 of 4 stars; one submission).

Submission:

GeneDx
Classification: Uncertain significance. Last evaluated: 2017-07-28. Review status: criteria provided, single submitter. Criteria: GeneDx Variant Classification (06012015). Collection method: clinical testing. Allele origin: germline. Affected: yes.
Comment: The N362K variant in the ATF2 gene has not been reported previously as a pathogenic variant, nor as a benign variant, to our knowledge. The N362K variant is not observed in large population cohorts (Lek et al., 2016; 1000 Genomes Consortium et al., 2015; Exome Variant Server). The N362K variant is a semi-conservative amino acid substitution, which may impact secondary protein structure as these residues differ in some properties. This substitution occurs at a position that is conserved across species. In silico analysis predicts this variant is probably damaging to the protein structure/function. We interpret N362K as a variant of uncertain significance.

NM_001880.4(ATF2):c.1086T>G (p.Asn362Lys)

Gene: ATF2 (activating transcription factor 2; minus strand). Cytogenetic location: 2q31.1.
Variant type: single nucleotide variant.
Coding change: c.1086T>G on transcript NM_001880.4 (MANE Select); coding-DNA position 1086, T replaced by G.
Protein change: p.Asn362Lys; replaces asparagine 362 with lysine.
Molecular consequence: missense variant. On other transcripts: non-coding transcript variant (7).
Genome position (GRCh38, 1-based): chr2:175,093,160, A>C on the plus strand (T>G on the coding strand, the complement: ATF2 is on the minus strand). VCF-style: chr2-175093160-A-C. GRCh37 (hg19) VCF-style: chr2-175957888-A-C.
Other names: c.1086T>G, p.Asn362Lys (NM_001256090.2); c.1032T>G, p.Asn344Lys (NM_001256091.2); c.912T>G, p.Asn304Lys (NM_001256092.2, NM_001256093.2); short protein forms N362K, N344K, N304K.
Identifiers: ClinVar variation 450692 (VCV000450692.2), dbSNP rs17223647, ClinGen allele CA349691071.